The following is an entry in ClinVar:

NM_001927.4(DES):c.1375G>A (p.Val459Ile)

Gene: DES (desmin; plus strand). Cytogenetic location: 2q35.
Variant type: single nucleotide variant.
Coding change: c.1375G>A on transcript NM_001927.4 (MANE Select); coding-DNA position 1375, G replaced by A.
Protein change: p.Val459Ile; replaces valine 459 with isoleucine.
Molecular consequence: missense variant.
Genome position (GRCh38, 1-based): chr2:219,425,952, G>A. VCF-style: chr2-219425952-G-A. GRCh37 (hg19) VCF-style: chr2-220290674-G-A.
Other names: p.V459I:GTC>ATC; short protein forms V459I.
Identifiers: ClinVar variation 44252 (VCV000044252.76), dbSNP rs73991549, ClinGen allele CA217048.
Genomic context (GRCh38, chr2:219,425,952, plus strand): 5'-CTGAGGCTCCATTCTCTGGCTAGCACATGGTTGGACTGGGCTTCTCTTCCTCCCCAGGTC[G>A]TCAGTGAGGCCACACAGCAGCAGCATGAAGTGCTCTAAAGACAGAGACCCTCTGCCACCA-3'
Protein context (NP_001918.3, residues 449-469): KTIETRDGEV[Val459Ile]SEATQQQHEV

ClinVar aggregate classification (germline): Benign/Likely benign. Review status: criteria provided, multiple submitters, no conflicts (2 of 4 stars). 25 submissions from 23 submitters: Benign (13); Likely benign (5). 7 of the submissions do not count toward it. Last evaluated 2026-04-01.

Conditions:
Desmin-related myofibrillar myopathy (MFM1). Also called: Desminopathy; Desmin related myopathy (former name); Desmin storage myopathy (former name); MYOFIBRILLAR MYOPATHY WITH ARRHYTHMOGENIC RIGHT VENTRICULAR CARDIOMYOPATHY; DESMIN-RELATED MYOPATHY WITH ARRHYTHMOGENIC RIGHT VENTRICULAR CARDIOMYOPATHY; Myofibrillar myopathy 1. Identifiers: Orphanet 363543, Orphanet 98909, MedGen C1832370, MONDO:0011076, OMIM 601419.
Cardiovascular phenotype. Identifiers: MedGen CN230736.
Dilated cardiomyopathy 1I (CMD1I). Identifiers: Orphanet 154, MedGen C1858154, MONDO:0011482, OMIM 604765.
Cardiomyopathy (CMYO). Also called: Cardiomyopathies. Identifiers: Orphanet 167848, MedGen C0878544, MONDO:0004994, HP:0001638. Inheritance: Various modes of inheritance.
Neurogenic scapuloperoneal syndrome, Kaeser type (SCPNK). Also called: KAESER SYNDROME. Identifiers: Orphanet 85146, MedGen C1867005, MONDO:0008407, OMIM 181400.
Primary dilated cardiomyopathy (DCM). Also called: Dilated Cardiomyopathy. Identifiers: Orphanet 217604, MedGen C0007193, MeSH D002311, MONDO:0005021, HP:0001644. Inheritance: Various modes of inheritance.

Allele frequency attached by ClinVar (database versions not stated): gnomAD exomes 0.00249 and 0.00091; gnomAD 0.00915 and 0.00981; TOPMed 0.01005; ExAC 0.00303; 1000 Genomes Project 0.00978; ESP Exome Variant Server 0.01215; 1000 Genomes Project 30x 0.01031.
gnomAD v4.1: 2,762 of 1,613,954 alleles (0.17%); highest among the groups gnomAD compares: African/African-American, 3.1%; 38 homozygotes.

Submissions (25):

CeGaT Center for Human Genetics Tuebingen
Classification: Benign. Last evaluated: 2026-04-01. Review status: criteria provided, single submitter. Criteria: CeGaT Center For Human Genetics Tuebingen Variant Classification Criteria Version 2. Collection method: clinical testing. Allele origin: germline. Affected: yes. Observed: 9 variant alleles.
Comment: DES: BS1, BS2

Labcorp Genetics (formerly Invitae), Labcorp
Classification: Benign for Desmin-related myofibrillar myopathy. Last evaluated: 2026-02-03. Review status: criteria provided, single submitter. Criteria: Invitae Variant Classification Sherloc (09022015). Collection method: clinical testing. Allele origin: germline.

ARUP Laboratories, Molecular Genetics and Genomics, ARUP Laboratories
Classification: Benign. Last evaluated: 2025-07-08. Review status: criteria provided, single submitter. Criteria: ARUP Molecular Germline Variant Investigation Process 2024. Collection method: clinical testing. Allele origin: germline.

Molecular Diagnostic Laboratory for Inherited Cardiovascular Disease, Montreal Heart Institute
Classification: Benign. Last evaluated: 2025-04-09. Review status: criteria provided, single submitter. Criteria: ACMG Guidelines, 2015. Collection method: clinical testing. Allele origin: germline. Affected: no.

Blueprint Genetics
Classification: Likely benign. Last evaluated: 2024-11-26. Review status: criteria provided, single submitter. Criteria: ACMG Guidelines, 2015. Collection method: clinical testing. Allele origin: germline.

Athena Diagnostics
Classification: Benign. Last evaluated: 2024-08-01. Review status: criteria provided, single submitter. Criteria: Athena Diagnostics Criteria. Collection method: clinical testing. Allele origin: unknown.

CHEO Genetics Diagnostic Laboratory, Children's Hospital of Eastern Ontario
Classification: Benign for Cardiomyopathy. Last evaluated: 2023-05-16. Review status: criteria provided, single submitter. Criteria: ACMG Guidelines, 2015. Collection method: clinical testing. Allele origin: germline. Study: Canadian Open Genetics Repository.

Mayo Clinic Laboratories, Mayo Clinic
Classification: Benign. Last evaluated: 2019-07-26. Review status: criteria provided, single submitter. Criteria: ACMG Guidelines, 2015. Collection method: clinical testing. Allele origin: germline. Observed: 22 variant alleles.

Illumina Laboratory Services, Illumina
Classification: Likely benign for Myofibrillar myopathy 1. Last evaluated: 2017-04-27. Review status: criteria provided, single submitter. Criteria: ICSL Variant Classification Criteria 13 December 2019. Collection method: clinical testing. Allele origin: germline.
Comment: This variant was observed as part of a predisposition screen in an ostensibly healthy population. A literature search was performed for the gene, cDNA change, and amino acid change (where applicable). No publications were found based on this search. Allele frequency data from public databases allowed determination this variant is unlikely to cause disease. Therefore, this variant is classified as likely benign.

Illumina Laboratory Services, Illumina
Classification: Likely benign for Neurogenic scapuloperoneal syndrome, Kaeser type. Last evaluated: 2017-04-27. Review status: criteria provided, single submitter. Criteria: ICSL Variant Classification Criteria 13 December 2019. Collection method: clinical testing. Allele origin: germline.
Comment: the same text as in the submission from Illumina Laboratory Services, Illumina above.

Illumina Laboratory Services, Illumina
Classification: Likely benign for Dilated cardiomyopathy 1I. Last evaluated: 2017-04-27. Review status: criteria provided, single submitter. Criteria: ICSL Variant Classification Criteria 13 December 2019. Collection method: clinical testing. Allele origin: germline.
Comment: This variant was observed as part of a predisposition screen in an ostensibly healthy population. A literature search was performed for the gene, cDNA change, and amino acid change (where applicable). Publications were found based on this search. The evidence from the literature, in combination with allele frequency data from public databases where available, was sufficient to determine this variant is unlikely to cause disease. Therefore, this variant is classified as likely benign.

GeneDx
Classification: Benign. Last evaluated: 2017-04-24. Review status: criteria provided, single submitter. Criteria: GeneDx Variant Classification (06012015). Collection method: clinical testing. Allele origin: germline. Affected: yes.
Comment: This variant is considered likely benign or benign based on one or more of the following criteria: it is a conservative change, it occurs at a poorly conserved position in the protein, it is predicted to be benign by multiple in silico algorithms, and/or has population frequency not consistent with disease.

Ambry Genetics
Classification: Benign for Cardiovascular phenotype. Last evaluated: 2016-03-26. Review status: criteria provided, single submitter. Criteria: Ambry Variant Classification Scheme 2023. Collection method: clinical testing. Allele origin: germline.

Biesecker Lab/Clinical Genomics Section, National Institutes of Health
Classification: Benign for Cardiomyopathy, dilated. Last evaluated: 2013-06-24. Review status: criteria provided, single submitter. Criteria: Ng et al. (Circ Cardiovasc Genet. 2013). Collection method: research. Allele origin: unknown. Observed: 2 variant alleles. Study: ClinSeq.
Comment: The study set was not selected for affection status in relation to any cancer. Pathogenicity categories were based on literature curation. See Pubmed ID:23861362 for details.

Medical sequencing

Eurofins Ntd Llc (ga)
Classification: Benign. Last evaluated: 2013-03-12. Review status: criteria provided, single submitter. Criteria: EGL Classification Definitions 2015. Collection method: clinical testing. Allele origin: germline. Observed: 1 variant allele, 1 homozygote.

Laboratory for Molecular Medicine, Mass General Brigham Personalized Medicine
Classification: Benign. Last evaluated: 2012-01-24. Review status: criteria provided, single submitter. Criteria: LMM Criteria. Collection method: clinical testing. Allele origin: germline. Observed: 27 variant alleles.
Comment: Val459Ile in exon 9 of DES: This variant is classified as benign based on its hi gh frequency in the general population (NHLBI Exome Sequencing Project; dbSNP rs73991549).

Breakthrough Genomics
Classification: Likely benign. Review status: criteria provided, single submitter. Criteria: ACMG Guidelines, 2015. Collection method: not provided. Allele origin: germline. Inheritance: Autosomal recessive inheritance. Affected: yes.

PreventionGenetics, part of Exact Sciences
Classification: Benign. Review status: criteria provided, single submitter. Criteria: ACMG Guidelines, 2015. Collection method: clinical testing. Allele origin: germline.

Clinical Genetics DNA and cytogenetics Diagnostics Lab, Erasmus MC, Erasmus Medical Center
Classification: Benign. Review status: no assertion criteria provided. Collection method: clinical testing. Allele origin: germline. Affected: yes. Study: VKGL Data-share Consensus. Not counted in ClinVar's aggregate classification.

Clinical Genetics, Academic Medical Center
Classification: Benign. Review status: no assertion criteria provided. Collection method: clinical testing. Allele origin: germline. Affected: yes. Study: VKGL Data-share Consensus. Not counted in ClinVar's aggregate classification.

Diagnostic Laboratory, Department of Genetics, University Medical Center Groningen
Classification: Likely benign. Review status: no assertion criteria provided. Collection method: clinical testing. Allele origin: germline. Affected: yes. Study: VKGL Data-share Consensus. Not counted in ClinVar's aggregate classification.

Epithelial Biology;  Institute of Medical Biology, Singapore
No classification provided. Review status: no classification provided. Collection method: not provided. Allele origin: not provided. Not counted in ClinVar's aggregate classification.

Genetic Services Laboratory, University of Chicago
Classification: Likely benign for AllHighlyPenetrant. Review status: no assertion criteria provided. Collection method: clinical testing. Allele origin: germline. Inheritance: Autosomal dominant inheritance. Not counted in ClinVar's aggregate classification.
Comment: Likely benign based on allele frequency in 1000 Genomes Project or ESP global frequency and its presence in a patient with a rare or unrelated disease phenotype. NOT Sanger confirmed.

Genome Diagnostics Laboratory, University Medical Center Utrecht
Classification: Benign. Review status: no assertion criteria provided. Collection method: clinical testing. Allele origin: germline. Affected: yes. Study: VKGL Data-share Consensus. Not counted in ClinVar's aggregate classification.

Joint Genome Diagnostic Labs from Nijmegen and Maastricht, Radboudumc and MUMC+
Classification: Benign. Review status: no assertion criteria provided. Collection method: clinical testing. Allele origin: germline. Affected: yes. Study: VKGL Data-share Consensus. Not counted in ClinVar's aggregate classification.

Literature cited by the submitters: PubMed 27896284 (cited by Athena Diagnostics); PubMed 25617006 (cited by Athena Diagnostics); PubMed 17325244 (cited by 3 submitters); PubMed 20981092 (cited by Athena Diagnostics); PubMed 23299917 (cited by Athena Diagnostics); PubMed 20474083 (cited by Athena Diagnostics and Illumina Laboratory Services, Illumina); PubMed 22337857 (cited by Athena Diagnostics).